The following is an entry in ClinVar:

ClinVar aggregate classification (germline): Uncertain significance. Review status: criteria provided, multiple submitters, no conflicts (2 of 4 stars). 2 submissions from 2 submitters: Uncertain significance (2). Last evaluated 2026-04-20.

Conditions:
CDH23-related disorder. Also called: CDH23-related condition; CDH23-related disorders.

gnomAD v4.1: 5 of 1,560,288 alleles (0.00032%); highest among the groups gnomAD compares: African/African-American, 0.0027%; no homozygotes.

Submissions (2):

PreventionGenetics, part of Exact Sciences
Classification: Uncertain significance for CDH23-related condition. Last evaluated: 2026-04-20. Review status: criteria provided, single submitter. Criteria: ACMG Guidelines, 2015. Collection method: clinical testing. Allele origin: germline.
Comment: The CDH23 c.3396C>T variant is not predicted to result in an amino acid change (p.=). This variant is predicted to impact splicing via creation of a cryptic splice donor site based on available splicing prediction programs (SpliceAI, Jaganathan et al. 2019. PubMed ID: 30661751). To our knowledge, this variant has not been reported in the literature. This variant is reported in 0.011% of alleles in individuals of African descent in gnomAD. Although we suspect that this variant may be pathogenic, at this time, the clinical significance of this variant is uncertain due to the absence of conclusive functional and genetic evidence.

Labcorp Genetics (formerly Invitae), Labcorp
Classification: Uncertain significance. Last evaluated: 2025-07-13. Review status: criteria provided, single submitter. Criteria: Invitae Variant Classification Sherloc (09022015). Collection method: clinical testing. Allele origin: germline.
Comment: This sequence change affects codon 1132 of the CDH23 mRNA. It is a 'silent' change, meaning that it does not change the encoded amino acid sequence of the CDH23 protein. The frequency data for this variant in the population databases is considered unreliable, as metrics indicate poor data quality at this position in the gnomAD database. This variant has been observed in individual(s) with deafness (internal data). In at least one individual the data is consistent with being in trans (on the opposite chromosome) from a pathogenic variant. Algorithms developed to predict the effect of sequence changes on RNA splicing suggest that this variant may create or strengthen a splice site. In summary, the available evidence is currently insufficient to determine the role of this variant in disease. Therefore, it has been classified as a Variant of Uncertain Significance.

NM_022124.6(CDH23):c.3396C>T (p.Gly1132=)

Genes: C10orf105 (chromosome 10 open reading frame 105; minus strand), CDH23 (cadherin related 23; plus strand). Cytogenetic location: 10q22.1.
Variant type: single nucleotide variant.
Coding change: c.3396C>T on transcript NM_022124.6 (MANE Select); coding-DNA position 3396, C replaced by T.
Protein change: p.Gly1132=; no amino-acid change (glycine 1132 retained).
Molecular consequence: synonymous variant. On other transcripts: intron variant (1).
Genome position (GRCh38, 1-based): chr10:71,724,071, C>T. VCF-style: chr10-71724071-C-T. GRCh37 (hg19) VCF-style: chr10-73483828-C-T.
Other names: c.3396C>T, p.Gly1132= (NM_001171930.2); c.-5-7729G>A (NM_001168390.2).
Identifiers: ClinVar variation 4751293 (VCV004751293.2).